The following is an entry in ClinVar:

ClinVar aggregate classification (germline): Uncertain significance (1 of 4 stars; one submission).

gnomAD v4.1: 27 of 1,612,756 alleles (0.0017%); highest among the groups gnomAD compares: South Asian, 0.0022%; no homozygotes.

Submission:

CeGaT Center for Human Genetics Tuebingen
Classification: Uncertain significance. Last evaluated: 2024-10-01. Review status: criteria provided, single submitter. Criteria: CeGaT Center For Human Genetics Tuebingen Variant Classification Criteria Version 2. Collection method: clinical testing. Allele origin: germline. Affected: yes. Observed: 1 variant allele.
Comment: CYP19A1: PM2

NM_000103.4(CYP19A1):c.640G>A (p.Val214Met)

Genes: CYP19A1 (cytochrome P450 family 19 subfamily A member 1; minus strand), MIR4713HG (MIR4713 host gene; plus strand), PIRC66 (piwi-interacting RNA cluster 66; plus strand). Cytogenetic location: 15q21.2.
Variant type: single nucleotide variant.
Coding change: c.640G>A on transcript NM_000103.4 (MANE Select); coding-DNA position 640, G replaced by A.
Protein change: p.Val214Met; replaces valine 214 with methionine.
Molecular consequence: missense variant.
Genome position (GRCh38, 1-based): chr15:51,218,644, C>T on the plus strand (G>A on the coding strand, the complement: CYP19A1 is on the minus strand). VCF-style: chr15-51218644-C-T. GRCh37 (hg19) VCF-style: chr15-51510841-C-T.
Other names: c.640G>A, p.Val214Met (NM_001347248.1, NM_001347249.2, NM_001347250.2 and 7 more transcripts); short protein forms V214M.
Identifiers: ClinVar variation 3388966 (VCV003388966.14).